The following is an entry in ClinVar:

ClinVar aggregate classification (germline): Conflicting classifications of pathogenicity. Review status: criteria provided, conflicting classifications (1 of 4 stars). 10 submissions from 10 submitters: Uncertain significance (1); Benign (7); Likely benign (1). 1 of the submissions does not count toward it. Last evaluated 2026-01-31.

Conditions:
Cardiovascular phenotype. Identifiers: MedGen CN230736.
DOLK-related disorder. Also called: DOLK-related condition.
DK1-congenital disorder of glycosylation. Also called: DK1 DEFICIENCY; DOLICHOL KINASE DEFICIENCY; DK1-CDG; CONGENITAL DISORDER OF GLYCOSYLATION, TYPE Im; DOLK-congenital disorder of glycosylation; Carbohydrate deficient glycoprotein syndrome type 1m. Identifiers: Orphanet 91131, MedGen C1835849, MONDO:0012556, OMIM 610768.

Allele frequency attached by ClinVar (database versions not stated): ESP Exome Variant Server 0.00115; TOPMed 0.00122; gnomAD 0.00277 and 0.00299; gnomAD exomes 0.00281 and 0.00333; ExAC 0.00358.
gnomAD v4.1: 4,519 of 1,614,016 alleles (0.28%); highest among the groups gnomAD compares: Non-Finnish European, 0.26%; 19 homozygotes.

Submissions (10):

Labcorp Genetics (formerly Invitae), Labcorp
Classification: Benign for DK1-congenital disorder of glycosylation. Last evaluated: 2026-01-31. Review status: criteria provided, single submitter. Criteria: Invitae Variant Classification Sherloc (09022015). Collection method: clinical testing. Allele origin: germline.

CeGaT Center for Human Genetics Tuebingen
Classification: Likely benign. Last evaluated: 2025-11-01. Review status: criteria provided, single submitter. Criteria: CeGaT Center For Human Genetics Tuebingen Variant Classification Criteria Version 2. Collection method: clinical testing. Allele origin: germline. Affected: yes. Observed: 5 variant alleles.
Comment: DOLK: BP4, BP7

Women's Health and Genetics/Laboratory Corporation of America, LabCorp
Classification: Benign. Last evaluated: 2025-07-24. Review status: criteria provided, single submitter. Criteria: LabCorp Variant Classification Summary - May 2015. Collection method: clinical testing. Allele origin: germline.

Mayo Clinic Laboratories, Mayo Clinic
Classification: Benign. Last evaluated: 2024-07-22. Review status: criteria provided, single submitter. Criteria: ACMG Guidelines, 2015. Collection method: clinical testing. Allele origin: germline. Observed: 5 variant alleles.
Comment: BS1, BS2, BP4, BP7

Ambry Genetics
Classification: Benign for Cardiovascular phenotype. Last evaluated: 2018-12-03. Review status: criteria provided, single submitter. Criteria: Ambry Variant Classification Scheme 2023. Collection method: clinical testing. Allele origin: germline.

GeneDx
Classification: Benign. Last evaluated: 2018-06-25. Review status: criteria provided, single submitter. Criteria: GeneDx Variant Classification Process June 2021. Collection method: clinical testing. Allele origin: germline. Affected: yes.

Illumina Laboratory Services, Illumina
Classification: Uncertain significance for DK1-congenital disorder of glycosylation. Last evaluated: 2018-01-13. Review status: criteria provided, single submitter. Criteria: ICSL Variant Classification Criteria 13 December 2019. Collection method: clinical testing. Allele origin: germline.

Laboratory for Molecular Medicine, Mass General Brigham Personalized Medicine
Classification: Benign. Last evaluated: 2015-10-22. Review status: criteria provided, single submitter. Criteria: LMM Criteria. Collection method: clinical testing. Allele origin: germline. Observed: 1 variant allele.
Comment: p.Arg62Arg in exon 1 of DOLK: This variant is not expected to have clinical sign ificance because it does not alter an amino acid residue and is not located with in the splice consensus sequence. It has been identified in 0.4% (279/66586) of European chromosomes, including 1 homozygote by the Exome Aggregation Consortium (ExAC; dbSNP rs148171062).

Eurofins Ntd Llc (ga)
Classification: Benign. Last evaluated: 2013-01-30. Review status: criteria provided, single submitter. Criteria: EGL Classification Definitions 2015. Collection method: clinical testing. Allele origin: germline. Observed: 1 variant allele, 1 heterozygote.

PreventionGenetics, part of Exact Sciences
Classification: Benign for DOLK-related condition. Last evaluated: 2019-03-05. Review status: no assertion criteria provided. Collection method: clinical testing. Allele origin: germline. Not counted in ClinVar's aggregate classification.
Comment: This variant is classified as benign based on ACMG/AMP sequence variant interpretation guidelines (Richards et al. 2015 PMID: 25741868, with internal and published modifications).

NM_014908.4(DOLK):c.186G>A (p.Arg62=)

Gene: DOLK (dolichol kinase; minus strand). Cytogenetic location: 9q34.11.
Variant type: single nucleotide variant.
Coding change: c.186G>A on transcript NM_014908.4 (MANE Select); coding-DNA position 186, G replaced by A.
Protein change: p.Arg62=; no amino-acid change (arginine 62 retained).
Molecular consequence: synonymous variant.
Genome position (GRCh38, 1-based): chr9:128,947,118, C>T on the plus strand (G>A on the coding strand, the complement: DOLK is on the minus strand). VCF-style: chr9-128947118-C-T. GRCh37 (hg19) VCF-style: chr9-131709397-C-T.
Other names: p.Arg62=.
Identifiers: ClinVar variation 95644 (VCV000095644.53), dbSNP rs148171062, ClinGen allele CA148688.